The following is an entry in ClinVar:

ClinVar aggregate classification (germline): Uncertain significance (1 of 4 stars; one submission).

Conditions:
Autosomal dominant limb-girdle muscular dystrophy type 1G (LGMDD3). Also called: Limb-girdle muscular dystrophy, type 1G; MUSCULAR DYSTROPHY, LIMB-GIRDLE, AUTOSOMAL DOMINANT 3. Identifiers: Orphanet 55596, MedGen C1836765, MONDO:0012193, OMIM 609115.

gnomAD v4.1: 1 of 1,362,740 alleles (0.000073%); no homozygotes.

Submission:

Labcorp Genetics (formerly Invitae), Labcorp
Classification: Uncertain significance for Autosomal dominant limb-girdle muscular dystrophy type 1G. Last evaluated: 2022-06-08. Review status: criteria provided, single submitter. Criteria: Invitae Variant Classification Sherloc (09022015). Collection method: clinical testing. Allele origin: germline.
Comment: In summary, the available evidence is currently insufficient to determine the role of this variant in disease. Therefore, it has been classified as a Variant of Uncertain Significance. Algorithms developed to predict the effect of missense changes on protein structure and function are either unavailable or do not agree on the potential impact of this missense change (SIFT: "Deleterious"; PolyPhen-2: "Benign"; Align-GVGD: "Class C0"). This variant has not been reported in the literature in individuals affected with HNRNPDL-related conditions. This variant is not present in population databases (gnomAD no frequency). This sequence change replaces valine, which is neutral and non-polar, with alanine, which is neutral and non-polar, at codon 10 of the HNRNPDL protein (p.Val10Ala).

NM_031372.4(HNRNPDL):c.29T>C (p.Val10Ala)

Gene: HNRNPDL (heterogeneous nuclear ribonucleoprotein D like; minus strand). Cytogenetic location: 4q21.22.
Variant type: single nucleotide variant.
Coding change: c.29T>C on transcript NM_031372.4 (MANE Select); coding-DNA position 29, T replaced by C.
Protein change: p.Val10Ala; replaces valine 10 with alanine.
Molecular consequence: missense variant. On other transcripts: non-coding transcript variant (1).
Genome position (GRCh38, 1-based): chr4:82,429,662, A>G on the plus strand (T>C on the coding strand, the complement: HNRNPDL is on the minus strand). VCF-style: chr4-82429662-A-G. GRCh37 (hg19) VCF-style: chr4-83350815-A-G.
Other names: c.29T>C, p.Val10Ala (NM_001207000.1); short protein forms V10A.
Identifiers: ClinVar variation 1963250 (VCV001963250.5), dbSNP rs2530026767, ClinGen allele CA357174129.